The following is an entry in ClinVar:

NM_001351132.2(PEX5):c.1391C>T (p.Ser464Phe)

Gene: PEX5 (peroxisomal biogenesis factor 5; plus strand). Cytogenetic location: 12p13.31.
Variant type: single nucleotide variant.
Coding change: c.1391C>T on transcript NM_001351132.2 (MANE Select); coding-DNA position 1391, C replaced by T.
Protein change: p.Ser464Phe; replaces serine 464 with phenylalanine.
Molecular consequence: missense variant.
Genome position (GRCh38, 1-based): chr12:7,208,666, C>T. VCF-style: chr12-7208666-C-T. GRCh37 (hg19) VCF-style: chr12-7361262-C-T.
Other names: c.1256C>T, p.Ser419Phe (NM_001351139.2, NM_001351140.2, NM_001374649.2); c.1280C>T, p.Ser427Phe (NM_001374645.1, NM_001374646.1, NM_001374648.2 and 7 more transcripts); c.1391C>T, p.Ser464Phe (NM_001374647.2, NM_001131025.2, NM_001131026.2 and 4 more transcripts); c.1367C>T, p.Ser456Phe (NM_000319.5); c.1436C>T, p.Ser479Phe (NM_001131023.2); c.1325C>T, p.Ser442Phe (NM_001351135.3, NM_001351138.2); c.1382C>T, p.Ser461Phe (NM_001351136.2); short protein forms S442F, S427F, S456F, S461F, S464F, S479F, S419F.
Identifiers: ClinVar variation 2122008 (VCV002122008.4), dbSNP rs1945132114, ClinGen allele CA383734243.
Genomic context (GRCh38, chr12:7,208,666, plus strand): 5'-AAGAAGGGGCTGGTGGGGCAGGACTGGGCCCCAGCAAGCGTATCCTGGGATCTCTCTTGT[C>T]TGAGTGAGTATGAGGGGTTCCTAGGATGAGGAATTACAGTAACCTAAGTCCCAGTAGGAG-3'
Protein context (NP_001338061.1, residues 454-474): PSKRILGSLL[Ser464Phe]DSLFLEVKEL

ClinVar aggregate classification (germline): Uncertain significance (1 of 4 stars; one submission).

Conditions:
Peroxisome biogenesis disorder 2B (PBD2B). Identifiers: Orphanet 44, MedGen C3550234, MONDO:0008736, OMIM 202370.

Allele frequency attached by ClinVar (database versions not stated): gnomAD 0.00001.
gnomAD v4.1: 1 of 1,610,598 alleles (0.000062%); highest among the groups gnomAD compares: Non-Finnish European, 0.000085%; no homozygotes.

Submission:

Labcorp Genetics (formerly Invitae), Labcorp
Classification: Uncertain significance for Peroxisome biogenesis disorder 2B. Last evaluated: 2022-10-18. Review status: criteria provided, single submitter. Criteria: Invitae Variant Classification Sherloc (09022015). Collection method: clinical testing. Allele origin: germline.
Comment: This variant is not present in population databases (gnomAD no frequency). This sequence change replaces serine, which is neutral and polar, with phenylalanine, which is neutral and non-polar, at codon 464 of the PEX5 protein (p.Ser464Phe). This variant has not been reported in the literature in individuals affected with PEX5-related conditions. Advanced modeling of protein sequence and biophysical properties (such as structural, functional, and spatial information, amino acid conservation, physicochemical variation, residue mobility, and thermodynamic stability) performed at Invitae indicates that this missense variant is not expected to disrupt PEX5 protein function. In summary, the available evidence is currently insufficient to determine the role of this variant in disease. Therefore, it has been classified as a Variant of Uncertain Significance.